The following is an entry in ClinVar:

ClinVar aggregate classification (germline): Uncertain significance (1 of 4 stars; one submission).

Allele frequency attached by ClinVar (database versions not stated): gnomAD 0.00001; gnomAD exomes 0.00001 and 0.00003; TOPMed 0.00002.

Submission:

Labcorp Genetics (formerly Invitae), Labcorp
Classification: Uncertain significance. Last evaluated: 2021-07-30. Review status: criteria provided, single submitter. Criteria: Invitae Variant Classification Sherloc (09022015). Collection method: clinical testing. Allele origin: germline.
Comment: In summary, the available evidence is currently insufficient to determine the role of this variant in disease. Therefore, it has been classified as a Variant of Uncertain Significance. Algorithms developed to predict the effect of missense changes on protein structure and function are either unavailable or do not agree on the potential impact of this missense change (SIFT: "Deleterious"; PolyPhen-2: "Benign"; Align-GVGD: "Class C45"). This variant has not been reported in the literature in individuals affected with SH3PXD2B-related conditions. This variant is not present in population databases (ExAC no frequency). This sequence change replaces methionine with threonine at codon 152 of the SH3PXD2B protein (p.Met152Thr). The methionine residue is moderately conserved and there is a moderate physicochemical difference between methionine and threonine.

NM_001017995.3(SH3PXD2B):c.455T>C (p.Met152Thr)

Gene: SH3PXD2B (SH3 and PX domains 2B; minus strand). Cytogenetic location: 5q35.1.
Variant type: single nucleotide variant.
Coding change: c.455T>C on transcript NM_001017995.3 (MANE Select); coding-DNA position 455, T replaced by C.
Protein change: p.Met152Thr; replaces methionine 152 with threonine.
Molecular consequence: missense variant.
Genome position (GRCh38, 1-based): chr5:172,362,842, A>G on the plus strand (T>C on the coding strand, the complement: SH3PXD2B is on the minus strand). VCF-style: chr5-172362842-A-G. GRCh37 (hg19) VCF-style: chr5-171789846-A-G.
Other names: c.455T>C, p.Met152Thr (NM_001308175.2); short protein forms M152T.
Identifiers: ClinVar variation 1499772 (VCV001499772.6), dbSNP rs1307603928, ClinGen allele CA362144019.
Genomic context (GRCh38, chr5:172,362,842, plus strand): 5'-CTGATCTCCGAACTCTCCTGCTTCTGGTAGTTGGCTACCACCACATACTGCTCCAGGACC[A>G]TGGGGTCCACTGAGGTTTGGTCACCCCCTGTGGATAGGAAACAGACATGACATCTGGCCA-3'
Protein context (NP_001017995.1, residues 142-162): SGGDQTSVDP[Met152Thr]VLEQYVVVAN